The following is an entry in ClinVar:

NM_016169.4(SUFU):c.20G>A (p.Ser7Asn)

Genes: SUFU (SUFU negative regulator of hedgehog signaling; plus strand), LOC130004614 (ATAC-STARR-seq lymphoblastoid silent region 2764; plus strand). Cytogenetic location: 10q24.32.
Variant type: single nucleotide variant.
Coding change: c.20G>A on transcript NM_016169.4 (MANE Select); coding-DNA position 20, G replaced by A.
Protein change: p.Ser7Asn; replaces serine 7 with asparagine.
Molecular consequence: missense variant.
Genome position (GRCh38, 1-based): chr10:102,504,172, G>A. VCF-style: chr10-102504172-G-A. GRCh37 (hg19) VCF-style: chr10-104263929-G-A.
Other names: c.20G>A, p.Ser7Asn (NM_001178133.2); short protein forms S7N.
Identifiers: ClinVar variation 4786843 (VCV004786843.1).

ClinVar aggregate classification (germline): Uncertain significance (1 of 4 stars; one submission).

Conditions:
Gorlin syndrome. Also called: Nevoid Basal Cell Carcinoma Syndrome; Basal cell nevus syndrome. Identifiers: Orphanet 377, MedGen C0004779, MONDO:0007187.
Medulloblastoma (MDB). Also called: Medulloblastoma, somatic; MEDULLOBLASTOMA PREDISPOSITION SYNDROME. Identifiers: Orphanet 616, MedGen C0025149, MeSH D008527, MONDO:0007959, OMIM 155255, HP:0002885.

Submission:

Labcorp Genetics (formerly Invitae), Labcorp
Classification: Uncertain significance for Gorlin syndrome; Medulloblastoma. Last evaluated: 2025-11-27. Review status: criteria provided, single submitter. Criteria: Invitae Variant Classification Sherloc (09022015). Collection method: clinical testing. Allele origin: germline.
Comment: This sequence change replaces serine, which is neutral and polar, with asparagine, which is neutral and polar, at codon 7 of the SUFU protein (p.Ser7Asn). This variant is not present in population databases (gnomAD no frequency). This variant has not been reported in the literature in individuals affected with SUFU-related conditions. An algorithm developed to predict the effect of missense changes on protein structure and function (PolyPhen-2) suggests that this variant is likely to be tolerated. In summary, the available evidence is currently insufficient to determine the role of this variant in disease. Therefore, it has been classified as a Variant of Uncertain Significance.